The following is an entry in ClinVar:

NM_006231.4(POLE):c.5223G>T (p.Gln1741His)

Gene: POLE (DNA polymerase epsilon, catalytic subunit; minus strand). Cytogenetic location: 12q24.33.
Variant type: single nucleotide variant.
Coding change: c.5223G>T on transcript NM_006231.4 (MANE Select); coding-DNA position 5223, G replaced by T.
Protein change: p.Gln1741His; replaces glutamine 1741 with histidine.
Molecular consequence: missense variant.
Genome position (GRCh38, 1-based): chr12:132,641,802, C>A on the plus strand (G>T on the coding strand, the complement: POLE is on the minus strand). VCF-style: chr12-132641802-C-A. GRCh37 (hg19) VCF-style: chr12-133218388-C-A.
Other names: short protein forms Q1741H.
Identifiers: ClinVar variation 2886760 (VCV002886760.4), dbSNP rs184039394, ClinGen allele CA6892590.

ClinVar aggregate classification (germline): Uncertain significance. Review status: criteria provided, multiple submitters, no conflicts (2 of 4 stars). 2 submissions from 2 submitters: Uncertain significance (2). Last evaluated 2025-02-25.

Allele frequency attached by ClinVar (database versions not stated): TOPMed below 0.00001; ExAC 0.00005; gnomAD 0.00009; 1000 Genomes Project 30x 0.00016; 1000 Genomes Project 0.00020.
gnomAD v4.1: 35 of 1,605,270 alleles (0.0022%); highest among the groups gnomAD compares: Non-Finnish European, 0.000085%; no homozygotes.

Submissions (2):

Labcorp Genetics (formerly Invitae), Labcorp
Classification: Uncertain significance. Last evaluated: 2025-02-25. Review status: criteria provided, single submitter. Criteria: Invitae Variant Classification Sherloc (09022015). Collection method: clinical testing. Allele origin: germline.
Comment: This sequence change replaces glutamine, which is neutral and polar, with histidine, which is basic and polar, at codon 1741 of the POLE protein (p.Gln1741His). This variant is present in population databases (rs184039394, gnomAD 0.06%). This variant has not been reported in the literature in individuals affected with POLE-related conditions. ClinVar contains an entry for this variant (Variation ID: 2886760). Invitae Evidence Modeling of protein sequence and biophysical properties (such as structural, functional, and spatial information, amino acid conservation, physicochemical variation, residue mobility, and thermodynamic stability) indicates that this missense variant is not expected to disrupt POLE protein function with a negative predictive value of 80%. In summary, the available evidence is currently insufficient to determine the role of this variant in disease. Therefore, it has been classified as a Variant of Uncertain Significance.

Blueprint Genetics
Classification: Uncertain significance. Last evaluated: 2021-03-08. Review status: criteria provided, single submitter. Criteria: ACMG Guidelines, 2015. Collection method: clinical testing. Allele origin: germline.